The following is an entry in ClinVar:

NM_020166.5(MCCC1):c.205A>G (p.Lys69Glu)

Gene: MCCC1 (methylcrotonyl-CoA carboxylase subunit 1; minus strand). Cytogenetic location: 3q27.1.
Variant type: single nucleotide variant.
Coding change: c.205A>G on transcript NM_020166.5 (MANE Select); coding-DNA position 205, A replaced by G.
Protein change: p.Lys69Glu; replaces lysine 69 with glutamic acid.
Molecular consequence: missense variant. On other transcripts: non-coding transcript variant (1), intron variant (2).
Genome position (GRCh38, 1-based): chr3:183,092,477, T>C on the plus strand (A>G on the coding strand, the complement: MCCC1 is on the minus strand). VCF-style: chr3-183092477-T-C. GRCh37 (hg19) VCF-style: chr3-182810265-T-C.
Other names: c.-55+2082A>G (NM_001363880.1); c.44+2082A>G (NM_001293273.2); c.205A>G (NM_020166.4); short protein forms K69E.
Identifiers: ClinVar variation 3251868 (VCV003251868.2), dbSNP rs147741073.

ClinVar aggregate classification (germline): Uncertain significance. Review status: criteria provided, single submitter (1 of 4 stars). 2 submissions from 2 submitters: Uncertain significance (1). 1 of the submissions does not count toward it. Last evaluated 2024-04-18.

Conditions:
3-methylcrotonyl-CoA carboxylase 1 deficiency (MCC1D). Also called: MCC 1 deficiency; 3 Alpha methylcrotonylglycinuria 1; MCCD TYPE 1; METHYLCROTONYLGLYCINURIA TYPE I. Identifiers: Orphanet 6, MedGen CN028786, MONDO:0008861, OMIM 210200.

Allele frequency attached by ClinVar (database versions not stated): ExAC 0.00001; ESP Exome Variant Server 0.00008.

Submissions (2):

Women's Health and Genetics/Laboratory Corporation of America, LabCorp
Classification: Uncertain significance. Last evaluated: 2024-04-18. Review status: criteria provided, single submitter. Criteria: LabCorp Variant Classification Summary - May 2015. Collection method: clinical testing. Allele origin: germline.
Comment: Variant summary: MCCC1 c.205A>G (p.Lys69Glu) results in a conservative amino acid change located in the Biotin carboxylase-like, N-terminal domain (IPR005481) of the encoded protein sequence. Four of five in-silico tools predict a damaging effect of the variant on protein function. The variant allele was found at a frequency of 4e-06 in 251484 control chromosomes (gnomAD). The available data on variant occurrences in the general population are insufficient to allow any conclusion about variant significance. To our knowledge, no occurrence of c.205A>G in individuals affected with Methylcrotonyl-CoA Carboxylase Deficiency and no experimental evidence demonstrating its impact on protein function have been reported. No submitters have cited clinical-significance assessments for this variant to ClinVar. Based on the evidence outlined above, the variant was classified as uncertain significance.

Natera, Inc.
Classification: Uncertain significance for 3-methylcrotonyl-CoA carboxylase 1 deficiency. Last evaluated: 2025-02-04. Review status: no assertion criteria provided. Collection method: clinical testing. Allele origin: germline. Not counted in ClinVar's aggregate classification.